The following is an entry in ClinVar:

NM_001042492.3(NF1):c.1646del (p.Leu549fs)

Gene: NF1 (neurofibromin 1; plus strand). Cytogenetic location: 17q11.2.
Variant type: Deletion.
Coding change: c.1646del on transcript NM_001042492.3 (MANE Select); coding-DNA position 1646, one base deleted (T; older notation c.1646delT).
Protein change: p.Leu549fs; shifts the reading frame from leucine 549.
Molecular consequence: frameshift variant.
Genome position (GRCh38, 1-based): chr17:31,221,854, T deleted. VCF-style (leftmost placement, unchanged base first): chr17-31221853-CT-C. GRCh37 (hg19) VCF-style: chr17-29548871-CT-C.
Other names: c.1646delT, p.Leu549Argfs (NM_000267.4); c.1646del, p.Leu549fs (NM_001128147.3); short protein forms L549fs.
Identifiers: ClinVar variation 955166 (VCV000955166.6), dbSNP rs2066927581, ClinGen allele CA1139665408.

ClinVar aggregate classification (germline): Pathogenic (1 of 4 stars; one submission).

Conditions:
Neurofibromatosis, type 1 (NF1). Also called: VON RECKLINGHAUSEN DISEASE; NEUROFIBROMATOSIS, TYPE I, SOMATIC; Peripheral type neurofibromatosis; Neurofibromatosis, type I. Identifiers: Orphanet 636, MedGen C0027831, MONDO:0018975, OMIM 162200. Disease mechanism: loss of function.

Submission:

Labcorp Genetics (formerly Invitae), Labcorp
Classification: Pathogenic for Neurofibromatosis, type 1. Last evaluated: 2022-09-13. Review status: criteria provided, single submitter. Criteria: Invitae Variant Classification Sherloc (09022015). Collection method: clinical testing. Allele origin: germline.
Comment: ClinVar contains an entry for this variant (Variation ID: 955166). For these reasons, this variant has been classified as Pathogenic. This sequence change creates a premature translational stop signal (p.Leu549Argfs*7) in the NF1 gene. It is expected to result in an absent or disrupted protein product. Loss-of-function variants in NF1 are known to be pathogenic (PMID: 10712197, 23913538). This variant has not been reported in the literature in individuals affected with NF1-related conditions. This variant is not present in population databases (gnomAD no frequency).

Literature cited by the submitters: PubMed 10712197; PubMed 23913538.